The following is an entry in ClinVar:

NM_001385641.1(SAMD11):c.1807G>C (p.Ala603Pro)

Gene: SAMD11 (sterile alpha motif domain containing 11; plus strand). Cytogenetic location: 1p36.33.
Variant type: single nucleotide variant.
Coding change: c.1807G>C on transcript NM_001385641.1 (MANE Select); coding-DNA position 1807, G replaced by C.
Protein change: p.Ala603Pro; replaces alanine 603 with proline.
Molecular consequence: missense variant.
Genome position (GRCh38, 1-based): chr1:942,812, G>C. VCF-style: chr1-942812-G-C. GRCh37 (hg19) VCF-style: chr1-878192-G-C.
Other names: c.1810G>C, p.Ala604Pro (NM_001385640.1); c.1318G>C, p.Ala440Pro (NM_152486.4); short protein forms A604P, A440P, A603P.
Identifiers: ClinVar variation 1908032 (VCV001908032.5), dbSNP rs1370379893, ClinGen allele CA337811126.

ClinVar aggregate classification (germline): Uncertain significance (1 of 4 stars; one submission).

Submission:

Labcorp Genetics (formerly Invitae), Labcorp
Classification: Uncertain significance. Last evaluated: 2022-08-23. Review status: criteria provided, single submitter. Criteria: Invitae Variant Classification Sherloc (09022015). Collection method: clinical testing. Allele origin: germline.
Comment: This sequence change replaces alanine, which is neutral and non-polar, with proline, which is neutral and non-polar, at codon 440 of the SAMD11 protein (p.Ala440Pro). In summary, the available evidence is currently insufficient to determine the role of this variant in disease. Therefore, it has been classified as a Variant of Uncertain Significance. Algorithms developed to predict the effect of missense changes on protein structure and function (SIFT, PolyPhen-2, Align-GVGD) all suggest that this variant is likely to be tolerated. This variant has not been reported in the literature in individuals affected with SAMD11-related conditions. This variant is not present in population databases (gnomAD no frequency).